The following is an entry in ClinVar:

ClinVar aggregate classification (germline): Uncertain significance. Review status: criteria provided, multiple submitters, no conflicts (2 of 4 stars). 11 submissions from 11 submitters: Uncertain significance (10). 1 of the submissions does not count toward it. Last evaluated 2026-01-24.

Conditions:
Hereditary cancer-predisposing syndrome. Also called: Neoplastic Syndromes, Hereditary; Hereditary neoplastic syndrome; Tumor predisposition; Hereditary Cancer Syndrome. Identifiers: Orphanet 140162, MedGen C0027672, MeSH D009386, MONDO:0015356.
Familial colorectal cancer type X. Identifiers: Orphanet 440437, MedGen C3896578, MONDO:0018604.
Familial cancer of breast. Also called: hereditary breast carcinoma; Hereditary breast cancer; BREAST CANCER, FAMILIAL. Identifiers: Orphanet 227535, MedGen C0346153, MONDO:0016419, OMIM 114480. Disease mechanism: loss of function.
Ataxia-telangiectasia syndrome (AT). Also called: Ataxia telangiectasia (A-T); Cerebello-oculocutaneous telangiectasia; Immunodeficiency with ataxia telangiectasia; LOUIS-BAR SYNDROME; AT, COMPLEMENTATION GROUP C; ATAXIA-TELANGIECTASIA, FRESNO VARIANT. Identifiers: Orphanet 100, MedGen C0004135, MONDO:0008840, OMIM 208900.

Allele frequency attached by ClinVar (database versions not stated): gnomAD exomes 0.00002 and 0.00001; gnomAD 0.00001; ExAC 0.00001; TOPMed 0.00002.
gnomAD v4.1: 26 of 1,614,000 alleles (0.0016%); highest among the groups gnomAD compares: East Asian, 0.0022%; no homozygotes.

Submissions (11):

Labcorp Genetics (formerly Invitae), Labcorp
Classification: Uncertain significance for Ataxia-telangiectasia syndrome. Last evaluated: 2026-01-24. Review status: criteria provided, single submitter. Criteria: Invitae Variant Classification Sherloc (09022015). Collection method: clinical testing. Allele origin: germline.
Comment: This sequence change replaces arginine, which is basic and polar, with cysteine, which is neutral and slightly polar, at codon 2453 of the ATM protein (p.Arg2453Cys). This variant is present in population databases (rs755418571, gnomAD 0.006%). This missense change has been observed in individual(s) with breast cancer (PMID: 30086788). ClinVar contains an entry for this variant (Variation ID: 230366). Invitae Evidence Modeling of protein sequence and biophysical properties (such as structural, functional, and spatial information, amino acid conservation, physicochemical variation, residue mobility, and thermodynamic stability) indicates that this missense variant is not expected to disrupt ATM protein function with a negative predictive value of 95%. In summary, the available evidence is currently insufficient to determine the role of this variant in disease. Therefore, it has been classified as a Variant of Uncertain Significance.

Mayo Clinic Laboratories, Mayo Clinic
Classification: Uncertain significance. Last evaluated: 2025-11-21. Review status: criteria provided, single submitter. Criteria: ACMG Guidelines, 2015. Collection method: clinical testing. Allele origin: germline. Observed: 1 variant allele.

Athena Diagnostics
Classification: Uncertain significance. Last evaluated: 2025-08-05. Review status: criteria provided, single submitter. Criteria: Athena Diagnostics Criteria. Collection method: clinical testing. Allele origin: unknown.
Comment: Available data are insufficient to determine the clinical significance of the variant at this time. The frequency of this variant in the general population is uninformative in assessment of its pathogenicity. Polyphen and MutationTaster yielded discordant predictions regarding whether this amino acid change is damaging to the protein.

CeGaT Center for Human Genetics Tuebingen
Classification: Uncertain significance. Last evaluated: 2025-04-01. Review status: criteria provided, single submitter. Criteria: CeGaT Center For Human Genetics Tuebingen Variant Classification Criteria Version 2. Collection method: clinical testing. Allele origin: germline. Affected: yes. Observed: 1 variant allele.
Comment: ATM: PM2

Color Diagnostics, LLC DBA Color Health
Classification: Uncertain significance for Hereditary cancer-predisposing syndrome. Last evaluated: 2025-01-13. Review status: criteria provided, single submitter. Criteria: ACMG Guidelines, 2015. Collection method: clinical testing. Allele origin: germline.
Comment: This missense variant replaces arginine with cysteine at codon 2453 of the ATM protein. Computational prediction suggests that this variant may not impact protein structure and function. To our knowledge, functional studies have not been reported for this variant. This variant has been reported in individuals affected with breast cancer (PMID: 17623063, 21787400, 28779002, 30086788, 33471991) and in healthy controls (PMID: 33471991). This variant has been identified in 3/251250 chromosomes in the general population by the Genome Aggregation Database (gnomAD). The available evidence is insufficient to determine the role of this variant in disease conclusively. Therefore, this variant is classified as a Variant of Uncertain Significance.

Ambry Genetics
Classification: Uncertain significance for Hereditary cancer-predisposing syndrome. Last evaluated: 2024-12-06. Review status: criteria provided, single submitter. Criteria: Ambry Variant Classification Scheme 2023. Collection method: clinical testing. Allele origin: germline.
Comment: The p.R2453C variant (also known as c.7357C>T), located in coding exon 49 of the ATM gene, results from a C to T substitution at nucleotide position 7357. The arginine at codon 2453 is replaced by cysteine, an amino acid with highly dissimilar properties. This amino acid position is not well conserved in available vertebrate species. In addition, this alteration is predicted to be tolerated by in silico analysis. Since supporting evidence is limited at this time, the clinical significance of this alteration remains unclear.

Quest Diagnostics Nichols Institute San Juan Capistrano
Classification: Uncertain significance. Last evaluated: 2023-12-06. Review status: criteria provided, single submitter. Criteria: Quest Diagnostics criteria. Collection method: clinical testing. Allele origin: unknown.

GeneDx
Classification: Uncertain significance. Last evaluated: 2023-10-04. Review status: criteria provided, single submitter. Criteria: GeneDx Variant Classification Process June 2021. Collection method: clinical testing. Allele origin: germline. Affected: yes.
Comment: Not observed at significant frequency in large population cohorts (gnomAD); In silico analysis supports that this missense variant has a deleterious effect on protein structure/function; Observed in individuals with a personal and/or family of breast cancer (Edvardsen et al., 2007; Goldgar et al., 2011; Decker et al., 2017; Penkert et al., 2018); This variant is associated with the following publications: (PMID: 24983367, 27460089, 30086788, 28779002, 21787400, 17623063, 23532176)

Baylor Genetics
Classification: Uncertain significance for Familial cancer of breast. Last evaluated: 2023-05-17. Review status: criteria provided, single submitter. Criteria: ACMG Guidelines, 2015. Collection method: clinical testing. Allele origin: unknown.

Department of Pathology and Laboratory Medicine, Sinai Health System
Classification: Uncertain significance for Familial colorectal cancer type X. Last evaluated: 2020-02-11. Review status: criteria provided, single submitter. Criteria: ACMG Guidelines, 2015. Collection method: clinical testing. Allele origin: germline. Affected: yes.

Natera, Inc.
Classification: Uncertain significance for Ataxia-telangiectasia. Last evaluated: 2021-03-25. Review status: no assertion criteria provided. Collection method: clinical testing. Allele origin: germline. Not counted in ClinVar's aggregate classification.

Literature cited by the submitters: PubMed 30086788 (cited by 4 submitters); PubMed 33471991 (cited by 3 submitters); PubMed 28779002 (cited by 4 submitters); PubMed 21787400 (cited by 3 submitters); PubMed 17623063 (cited by Athena Diagnostics and Color Diagnostics, LLC DBA Color Health).

NM_000051.4(ATM):c.7357C>T (p.Arg2453Cys)

Genes: ATM (ATM serine/threonine kinase; plus strand), C11orf65 (chromosome 11 open reading frame 65; minus strand). Cytogenetic location: 11q22.3.
Variant type: single nucleotide variant.
Coding change: c.7357C>T on transcript NM_000051.4 (MANE Select); coding-DNA position 7357, C replaced by T.
Protein change: p.Arg2453Cys; replaces arginine 2453 with cysteine.
Molecular consequence: missense variant. On other transcripts: intron variant (2).
Genome position (GRCh38, 1-based): chr11:108,330,263, C>T. VCF-style: chr11-108330263-C-T. GRCh37 (hg19) VCF-style: chr11-108200990-C-T.
Other names: p.Arg2453Cys; c.7357C>T, p.Arg2453Cys (NM_001351834.2); c.641-21192G>A (NM_001330368.2); c.*38+4957G>A (NM_001351110.2); short protein forms R2453C.
Identifiers: ClinVar variation 230366 (VCV000230366.50), dbSNP rs755418571, ClinGen allele CA6266102.